The following is an entry in ClinVar:

NM_000048.4(ASL):c.1135C>T (p.Arg379Cys)

Gene: ASL (argininosuccinate lyase; plus strand). Cytogenetic location: 7q11.21.
Variant type: single nucleotide variant.
Coding change: c.1135C>T on transcript NM_000048.4 (MANE Select); coding-DNA position 1135, C replaced by T.
Protein change: p.Arg379Cys; replaces arginine 379 with cysteine.
Molecular consequence: missense variant.
Genome position (GRCh38, 1-based): chr7:66,092,078, C>T. VCF-style: chr7-66092078-C-T. GRCh37 (hg19) VCF-style: chr7-65557065-C-T.
Other names: p.R379C:CGC>TGC; c.1135C>T, p.Arg379Cys (NM_001024943.2); c.1075C>T, p.Arg359Cys (NM_001024944.2); c.1057C>T, p.Arg353Cys (NM_001024946.2); short protein forms R379C, R353C, R359C.
Identifiers: ClinVar variation 2403 (VCV000002403.28), dbSNP rs28940287, ClinGen allele CA252265.
Genomic context (GRCh38, chr7:66,092,078, plus strand): 5'-AACATGGGACAGGCTCTCAGCCCCGACATGCTGGCCACTGACCTTGCCTATTACCTGGTC[C>T]GCAAAGGGGTAAGTGTGTAGCAGCCAGGGGGAGGGTGAGGAGATGGGGTGCCCCCCCCAG-3'
Protein context (NP_000039.2, residues 369-389): LATDLAYYLV[Arg379Cys]KGMPFRQAHE

ClinVar aggregate classification (germline): Pathogenic/Likely pathogenic. Review status: criteria provided, multiple submitters, no conflicts (2 of 4 stars). 13 submissions from 13 submitters: Pathogenic (8); Likely pathogenic (4). 1 of the submissions does not count toward it. Last evaluated 2026-08-25.

Conditions:
ASL-related disorder. Also called: ASL-related condition.
Argininosuccinate lyase deficiency. Also called: ARGININOSUCCINIC ACID LYASE DEFICIENCY; ASL DEFICIENCY; Argininosuccinic aciduria. Identifiers: Orphanet 23, MedGen C0268547, MONDO:0008815, OMIM 207900, HP:0025630.

Allele frequency attached by ClinVar (database versions not stated): gnomAD 0.00003; TOPMed 0.00006.
gnomAD v4.1: 95 of 1,612,042 alleles (0.0059%); highest among the groups gnomAD compares: South Asian, 0.011%; no homozygotes.

Submissions (13):

PreventionGenetics, part of Exact Sciences
Classification: Pathogenic for ASL-related condition. Last evaluated: 2026-08-25. Review status: criteria provided, single submitter. Criteria: ACMG Guidelines, 2015. Collection method: clinical testing. Allele origin: germline.
Comment: The ASL c.1135C>T variant is predicted to result in the amino acid substitution p.Arg379Cys. This variant has been reported in the homozygous or compound heterozygous states in multiple individuals with argininosuccinate lyase deficiency, and in vitro functional studies indicate that this variant results in significant loss of activity (Kleijer et al. 2002. PubMed ID: 12408190; Engel et al. 2011. PubMed ID: 21667091; Hu et al. 2015. PubMed ID: 25778938; Ganetzky et al. 2016. PubMed ID: 27515243; Table S1, Zielonka et al. 2020. PubMed ID: 31943503). This variant is reported in 0.012% of alleles in individuals of African descent in gnomAD. This variant is interpreted as pathogenic.

Labcorp Genetics (formerly Invitae), Labcorp
Classification: Pathogenic for Argininosuccinate lyase deficiency. Last evaluated: 2026-02-01. Review status: criteria provided, single submitter. Criteria: Invitae Variant Classification Sherloc (09022015). Collection method: clinical testing. Allele origin: germline.
Comment: This sequence change replaces arginine, which is basic and polar, with cysteine, which is neutral and slightly polar, at codon 379 of the ASL protein (p.Arg379Cys). This variant is present in population databases (rs28940287, gnomAD 0.01%). This missense change has been observed in individual(s) with argininosuccinic aciduria (PMID: 12408190, 20236848, 27515243; internal data). In at least one individual the data is consistent with being in trans (on the opposite chromosome) from a pathogenic variant. ClinVar contains an entry for this variant (Variation ID: 2403). Invitae Evidence Modeling of protein sequence and biophysical properties (such as structural, functional, and spatial information, amino acid conservation, physicochemical variation, residue mobility, and thermodynamic stability) indicates that this missense variant is expected to disrupt ASL protein function with a positive predictive value of 95%. Experimental studies have shown that this missense change affects ASL function (PMID: 21667091, 25778938). For these reasons, this variant has been classified as Pathogenic.

Natera, Inc.
Classification: Likely pathogenic for Argininosuccinate lyase deficiency. Last evaluated: 2025-09-01. Review status: criteria provided, single submitter. Criteria: Natera Variant Classification Schema (03/2026). Collection method: clinical testing. Allele origin: germline.
Comment: The c.1135C>T variant in ASL is a missense variant predicted to cause substitution of arginine to cysteine at amino acid 379. This variant is rare in the general population with a frequency below the threshold expected for the associated phenotype(s). This variant has been observed in one or more individuals affected with the associated recessive disease, as either homozygous or compound heterozygous with a second variant (PMID: 20236848, 21710918, 27515243, 31943503). Computational prediction algorithms indicate this variant is likely to affect gene or protein function. Given the available evidence, this variant is classified as Likely Pathogenic.

Laboratory of Genetics, Children's Clinical University Hospital Latvia
Classification: Pathogenic. Last evaluated: 2025-02-16. Review status: criteria provided, single submitter. Criteria: ACMG Guidelines, 2015. Collection method: clinical testing. Allele origin: germline. Affected: yes.

Blueprint Genetics
Classification: Likely pathogenic for ASL-related disorders. Last evaluated: 2024-11-07. Review status: criteria provided, single submitter. Criteria: ACMG Guidelines, 2015. Collection method: clinical testing. Allele origin: germline. Affected: yes. Observed: 4 variant alleles.

Baylor Genetics
Classification: Likely pathogenic for Argininosuccinate lyase deficiency. Last evaluated: 2024-03-26. Review status: criteria provided, single submitter. Criteria: ACMG Guidelines, 2015. Collection method: clinical testing. Allele origin: unknown.

Fulgent Genetics
Classification: Pathogenic for Argininosuccinate lyase deficiency. Last evaluated: 2024-03-20. Review status: criteria provided, single submitter. Criteria: ACMG Guidelines, 2015. Collection method: clinical testing. Allele origin: germline.

Laboratory of Medical Genetics, National & Kapodistrian University of Athens
Classification: Pathogenic for Argininosuccinate lyase deficiency. Last evaluated: 2024-02-01. Review status: criteria provided, single submitter. Criteria: ACMG Guidelines, 2015. Collection method: curation. Allele origin: germline. Affected: no.

Women's Health and Genetics/Laboratory Corporation of America, LabCorp
Classification: Pathogenic for Argininosuccinate lyase deficiency. Last evaluated: 2022-12-09. Review status: criteria provided, single submitter. Criteria: LabCorp Variant Classification Summary - May 2015. Collection method: clinical testing. Allele origin: germline.
Comment: Variant summary: ASL c.1135C>T (p.Arg379Cys) results in a non-conservative amino acid change in the encoded protein sequence. Five of five in-silico tools predict a damaging effect of the variant on protein function. The variant allele was found at a frequency of 6.4e-05 in 249176 control chromosomes. This frequency is not higher than expected for a pathogenic variant in ASL causing Argininosuccinic Aciduria (6.4e-05 vs 0.0042), allowing no conclusion about variant significance. c.1135C>T has been reported in the literature in homozygous and compound heterozygous individuals affected with Argininosuccinic Aciduria (Balmer_2014, Kleijer_2002, Mercimek-Mahmutoglu_2010). These data indicate that the variant is very likely to be associated with disease. Experimental evidence evaluating an impact on protein function demonstrated the variant affects the enzyme stability and results in decreased enzyme activity (Kleijer_2002, Engel_2012, Hu_2015). Six laboratories have submitted clinical-significance assessments for this variant to ClinVar after 2014 and classified the variant as pathogenic/likely pathogenic. Based on the evidence outlined above, the variant was classified as pathogenic.

GeneDx
Classification: Pathogenic. Last evaluated: 2021-08-05. Review status: criteria provided, single submitter. Criteria: GeneDx Variant Classification Process June 2021. Collection method: clinical testing. Allele origin: germline. Affected: yes.
Comment: Published functional studies demonstrate that R379C is predicted to affect the stability of the argininosuccinate lyase enzyme and is associated with 10% of wild-type argininosuccinate lyase activity (Hu et al., 2015; Engel et al., 2012); Not observed at a significant frequency in large population cohorts (Lek et al., 2016); In silico analysis, which includes protein predictors and evolutionary conservation, supports a deleterious effect; This variant is associated with the following publications: (PMID: 31943503, 31589614, 32152836, 20236848, 12408190, 27515243, 28643139, 26745957, 24166829, 12384776, 25778938, 21667091, 25087612)

Eurofins Ntd Llc (ga)
Classification: Likely pathogenic. Last evaluated: 2016-12-22. Review status: criteria provided, single submitter. Criteria: EGL Classification Definitions 2015. Collection method: clinical testing. Allele origin: germline. Observed: 1 variant allele, 1 heterozygote.

Juno Genomics, Hangzhou Juno Genomics, Inc
Classification: Pathogenic for Argininosuccinate lyase deficiency. Review status: criteria provided, single submitter. Criteria: ACMG Guidelines, 2015. Collection method: clinical testing. Allele origin: germline.
Comment: Absent from controls (or at extremely low frequency if recessive) in Genome Aggregation Database.;Well-established in vitro or in vivo functional studies supportive of a damaging effect on the gene or gene product.;For recessive disorders, detected in trans with a pathogenic variant.;Patient's phenotype or family history is highly specific for a disease with a single genetic etiology.

OMIM
Classification: Pathogenic for ARGININOSUCCINIC ACIDURIA. Last evaluated: 2002-09-01. Review status: no assertion criteria provided. Collection method: literature only. Allele origin: germline. Not counted in ClinVar's aggregate classification.

Literature cited by the submitters: PubMed 12408190 (cited by Labcorp Genetics (formerly Invitae), Labcorp and Women's Health and Genetics/Laboratory Corporation of America, LabCorp); PubMed 20236848 (cited by 3 submitters); PubMed 27515243 (cited by Labcorp Genetics (formerly Invitae), Labcorp and Natera, Inc.); PubMed 21667091 (cited by Labcorp Genetics (formerly Invitae), Labcorp and Women's Health and Genetics/Laboratory Corporation of America, LabCorp); PubMed 25778938 (cited by Labcorp Genetics (formerly Invitae), Labcorp and Women's Health and Genetics/Laboratory Corporation of America, LabCorp); PubMed 21710918 (cited by Natera, Inc.); PubMed 31943503 (cited by Natera, Inc.); PubMed 24166829 (cited by Women's Health and Genetics/Laboratory Corporation of America, LabCorp); Kleijer, W. J., Garritsen, V. H., Linnebank, M., Mooyer, P., Huijmans, J. G. M., Mustonen, A., Simola, K. O. J., Arslan-Kirchner, M., Battini, R., Briones, P., Cardo, E., Mandel, H., Tschiedel, E., Wanders, R. J. A., Koch, H. G. Clinical, enzymatic, and molecular genetic characterization of a biochemical variant type of argininosuccinic aciduria: prenatal and postnatal diagnosis in 5 unrelated families. J. Inherit. Metab. Dis. 25: 399-410, 2002. (cited by OMIM).